The following is an entry in ClinVar:

ClinVar aggregate classification (germline): Uncertain significance (1 of 4 stars; one submission).

Conditions:
Charcot-Marie-Tooth disease, type I (CMT1). Also called: Charcot-Marie-Tooth disease type 1; Charcot-Marie-Tooth, Type 1. Identifiers: Orphanet 65753, MedGen C0751036, MONDO:0019011.

Submission:

Labcorp Genetics (formerly Invitae), Labcorp
Classification: Uncertain significance for Charcot-Marie-Tooth disease, type I. Last evaluated: 2019-03-13. Review status: criteria provided, single submitter. Criteria: Invitae Variant Classification Sherloc (09022015). Collection method: clinical testing. Allele origin: germline.
Comment: In summary, the available evidence is currently insufficient to determine the role of this variant in disease. Therefore, it has been classified as a Variant of Uncertain Significance. Algorithms developed to predict the effect of missense changes on protein structure and function (SIFT, PolyPhen-2, Align-GVGD) all suggest that this variant is likely to be disruptive, but these predictions have not been confirmed by published functional studies and their clinical significance is uncertain. This variant has not been reported in the literature in individuals with EGR2-related conditions. This variant is not present in population databases (ExAC no frequency). This sequence change replaces arginine with tryptophan at codon 257 of the EGR2 protein (p.Arg257Trp). The arginine residue is highly conserved and there is a moderate physicochemical difference between arginine and tryptophan.

NM_000399.5(EGR2):c.769C>T (p.Arg257Trp)

Gene: EGR2 (early growth response 2; minus strand). Cytogenetic location: 10q21.3.
Variant type: single nucleotide variant.
Coding change: c.769C>T on transcript NM_000399.5 (MANE Select); coding-DNA position 769, C replaced by T.
Protein change: p.Arg257Trp; replaces arginine 257 with tryptophan.
Molecular consequence: missense variant.
Genome position (GRCh38, 1-based): chr10:62,813,869, G>A on the plus strand (C>T on the coding strand, the complement: EGR2 is on the minus strand). VCF-style: chr10-62813869-G-A. GRCh37 (hg19) VCF-style: chr10-64573629-G-A.
Other names: c.769C>T, p.Arg257Trp (NM_001136177.3, NM_001136178.2); c.619C>T, p.Arg207Trp (NM_001136179.3, NM_001321037.2); short protein forms R257W, R207W.
Identifiers: ClinVar variation 849954 (VCV000849954.8), dbSNP rs368282744, ClinGen allele CA377028893.